The following is an entry in ClinVar:

NM_000256.3(MYBPC3):c.406G>A (p.Gly136Arg)

Gene: MYBPC3 (myosin binding protein C3; minus strand). Cytogenetic location: 11p11.2.
Variant type: single nucleotide variant.
Coding change: c.406G>A on transcript NM_000256.3 (MANE Select); coding-DNA position 406, G replaced by A.
Protein change: p.Gly136Arg; replaces glycine 136 with arginine.
Molecular consequence: missense variant.
Genome position (GRCh38, 1-based): chr11:47,350,502, C>T on the plus strand (G>A on the coding strand, the complement: MYBPC3 is on the minus strand). VCF-style: chr11-47350502-C-T. GRCh37 (hg19) VCF-style: chr11-47372053-C-T.
Other names: p.G136R:GGG>AGG; c.406G>A, p.Gly136Arg (LRG_386t1); short protein forms G136R.
Identifiers: ClinVar variation 181033 (VCV000181033.13), dbSNP rs730880613, ClinGen allele CA015035.
Genomic context (GRCh38, chr11:47,350,502, plus strand): 5'-GACCTGCCCTGGACACGCCCTACCCACGGATCCTGCCCCTCCCTGCCCAGCCCCTCTCAC[C>T]TTTGGGACTTGGGGCACTTTCTCCCAGCTCAGCGGCTGGGGCCGGGGCTTCTCCAGGGGC-3'
Protein context (NP_000247.2, residues 126-146): ELGESAPSPK[Gly136Arg]SSSAALNGPT

ClinVar aggregate classification (germline): Uncertain significance. Review status: criteria provided, multiple submitters, no conflicts (2 of 4 stars). 4 submissions from 4 submitters: Uncertain significance (4). Last evaluated 2025-09-13.

Conditions:
Cardiovascular phenotype. Identifiers: MedGen CN230736.
Cardiomyopathy (CMYO). Also called: Cardiomyopathies. Identifiers: Orphanet 167848, MedGen C0878544, MONDO:0004994, HP:0001638. Inheritance: Various modes of inheritance.
Hypertrophic cardiomyopathy. Also called: HYPERTROPHIC MYOCARDIOPATHY. Identifiers: Orphanet 217569, MedGen C0007194, MeSH D002312, MONDO:0005045, HP:0001639.

Submissions (4):

Color Diagnostics, LLC DBA Color Health
Classification: Uncertain significance for Cardiomyopathy. Last evaluated: 2025-09-13. Review status: criteria provided, single submitter. Criteria: ACMG Guidelines, 2015. Collection method: clinical testing. Allele origin: germline.
Comment: This missense variant replaces glycine with arginine at codon 136 of the MYBPC3 protein. Computational prediction suggests that this variant may not impact protein structure and function. To our knowledge, functional studies have not been reported for this variant. This variant has not been reported in individuals affected with MYBPC3-related disorders in the literature. This variant has not been identified in the general population by the Genome Aggregation Database (gnomAD). The available evidence is insufficient to determine the role of this variant in disease conclusively. Therefore, this variant is classified as a Variant of Uncertain Significance.

Labcorp Genetics (formerly Invitae), Labcorp
Classification: Uncertain significance for Hypertrophic cardiomyopathy. Last evaluated: 2024-07-08. Review status: criteria provided, single submitter. Criteria: Invitae Variant Classification Sherloc (09022015). Collection method: clinical testing. Allele origin: germline.
Comment: This sequence change replaces glycine, which is neutral and non-polar, with arginine, which is basic and polar, at codon 136 of the MYBPC3 protein (p.Gly136Arg). This variant also falls at the last nucleotide of exon 3, which is part of the consensus splice site for this exon. This variant is not present in population databases (gnomAD no frequency). This variant has not been reported in the literature in individuals affected with MYBPC3-related conditions. ClinVar contains an entry for this variant (Variation ID: 181033). An algorithm developed to predict the effect of missense changes on protein structure and function (PolyPhen-2) suggests that this variant is likely to be tolerated. Variants that disrupt the consensus splice site are a relatively common cause of aberrant splicing (PMID: 17576681, 9536098). Algorithms developed to predict the effect of sequence changes on RNA splicing suggest that this variant may disrupt the consensus splice site. In summary, the available evidence is currently insufficient to determine the role of this variant in disease. Therefore, it has been classified as a Variant of Uncertain Significance.

GeneDx
Classification: Uncertain significance. Last evaluated: 2020-10-09. Review status: criteria provided, single submitter. Criteria: GeneDx Variant Classification Process June 2021. Collection method: clinical testing. Allele origin: germline. Affected: yes.
Comment: Has not been previously published as pathogenic or benign to our knowledge; Reported in ClinVar as a variant of uncertain significance (ClinVar Variant ID# 181033; Landrum et al., 2016); Not observed in large population cohorts (Lek et al., 2016); In silico analysis supports that this missense variant does not alter protein structure/function; In-silico analysis, which includes splice predictors and evolutionary conservation, is inconclusive as to whether the variant alters gene splicing. In the absence of RNA/functional studies, the actual effect of this sequence change is unknown.

Ambry Genetics
Classification: Uncertain significance for Cardiovascular phenotype. Last evaluated: 2016-11-18. Review status: criteria provided, single submitter. Criteria: Ambry Variant Classification Scheme 2023. Collection method: clinical testing. Allele origin: germline.
Comment: The c.406G>A variant (also known as p.G136R), located in coding exon 3 of the MYBPC3 gene, results from a G to A substitution at nucleotide position 406. This change occurs in the last base pair of coding exon 3, which makes it likely to have some effect on normal mRNA splicing. In addition to potential splicing impact, this alteration changes the glycine at codon 136 to arginine, an amino acid with dissimilar properties. Both the nucleotide and amino acid positions are highly conserved in available vertebrate species. Using the BDGP, ESEfinder, and Human Splicing Finder (HSF; Desmet FO et al. Nucleic Acids Res. 2009;37(9):e67) splice site prediction tools, this alteration is predicted to weaken the efficiency of the native splice donor site; however, direct evidence is unavailable. In addition, this alteration is predicted to be tolerated by in silico analysis. Since supporting evidence is limited at this time, the clinical significance of this alteration remains unclear.

Literature cited by the submitters: PubMed 17576681 (cited by Labcorp Genetics (formerly Invitae), Labcorp); PubMed 9536098 (cited by Labcorp Genetics (formerly Invitae), Labcorp).